The following is an entry in ClinVar:

ClinVar aggregate classification (germline): Pathogenic (1 of 4 stars; one submission).

Submission:

Labcorp Genetics (formerly Invitae), Labcorp
Classification: Pathogenic. Last evaluated: 2024-08-29. Review status: criteria provided, single submitter. Criteria: Invitae Variant Classification Sherloc (09022015). Collection method: clinical testing. Allele origin: germline.
Comment: This sequence change creates a premature translational stop signal (p.Lys386Argfs*13) in the TAB2 gene. It is expected to result in an absent or disrupted protein product. Loss-of-function variants in TAB2 are known to be pathogenic (PMID: 28386937, 31250519). This variant is not present in population databases (gnomAD no frequency). This variant has not been reported in the literature in individuals affected with TAB2-related conditions. For these reasons, this variant has been classified as Pathogenic.

Literature cited by the submitters: PubMed 28386937; PubMed 31250519.

NM_001292034.3(TAB2):c.1156_1157insG (p.Lys386fs)

Genes: TAB2 (TGF-beta activated kinase 1 (MAP3K7) binding protein 2; plus strand), LOC126859827 (BRD4-independent group 4 enhancer GRCh37_chr6:149699707-149700906; plus strand). Cytogenetic location: 6q25.1.
Variant type: Insertion.
Coding change: c.1156_1157insG on transcript NM_001292034.3 (MANE Select); coding-DNA positions 1156 to 1157, G inserted.
Protein change: p.Lys386fs; shifts the reading frame from lysine 386.
Molecular consequence: frameshift variant.
Genome position: GRCh38 VCF-style: chr6-149379071-A-AG. GRCh37 (hg19) VCF-style: chr6-149700207-A-AG.
Other names: c.1060_1061insG, p.Lys354fs (NM_001292035.3); c.1156_1157insG, p.Lys386fs (NM_001369506.1, NM_015093.6); short protein forms K354fs, K386fs.
Identifiers: ClinVar variation 3663966 (VCV003663966.2).